The following is an entry in ClinVar:

ClinVar aggregate classification (germline): Uncertain significance (1 of 4 stars; one submission).

Allele frequency attached by ClinVar (database versions not stated): ExAC 0.00001; ESP Exome Variant Server 0.00008.
gnomAD v4.1: 6 of 1,600,868 alleles (0.00037%); highest among the groups gnomAD compares: Non-Finnish European, 0.00051%; no homozygotes.

Submission:

Mayo Clinic Laboratories, Mayo Clinic
Classification: Uncertain significance. Last evaluated: 2022-11-16. Review status: criteria provided, single submitter. Criteria: ACMG Guidelines, 2015. Collection method: clinical testing. Allele origin: germline. Observed: 1 variant allele.
Comment: BP4

NM_001375834.1(WIPF1):c.874C>T (p.Pro292Ser)

Gene: WIPF1 (WAS/WASL interacting protein family member 1; minus strand). Cytogenetic location: 2q31.1.
Variant type: single nucleotide variant.
Coding change: c.874C>T on transcript NM_001375834.1 (MANE Select); coding-DNA position 874, C replaced by T.
Protein change: p.Pro292Ser; replaces proline 292 with serine.
Molecular consequence: missense variant.
Genome position (GRCh38, 1-based): chr2:174,571,931, G>A on the plus strand (C>T on the coding strand, the complement: WIPF1 is on the minus strand). VCF-style: chr2-174571931-G-A. GRCh37 (hg19) VCF-style: chr2-175436659-G-A.
Other names: p.Pro292Ser; c.874C>T, p.Pro292Ser (NM_001077269.1, NM_001375832.1, NM_001375833.1 and 5 more transcripts); c.496C>T, p.Pro166Ser (NM_001375839.1); short protein forms P166S, P292S.
Identifiers: ClinVar variation 2682757 (VCV002682757.1), dbSNP rs375093864, ClinGen allele CA1974041.
Genomic context (GRCh38, chr2:174,571,931, plus strand): 5'-GTGGCGGCGGAGGTGGGGCCTGTGAGGAGGCCGAAGGCCGCGGAGTGGAAGGCACTGGAG[G>A]CTTGTTGTTCTGAGGAGGAGGAGGGGGAACCGCTTCCCTGTGGATGGAGGGCCTGTTGCC-3'
Protein context (NP_001362763.1, residues 282-302): VPPPPPQNNK[Pro292Ser]PVPSTPRPSA